The following is an entry in ClinVar:

ClinVar aggregate classification (germline): Uncertain significance (1 of 4 stars; one submission).

Submission:

Women's Health and Genetics/Laboratory Corporation of America, LabCorp
Classification: Uncertain significance. Last evaluated: 2026-05-26. Review status: criteria provided, single submitter. Criteria: LabCorp Variant Classification Summary - May 2015. Collection method: clinical testing. Allele origin: germline.
Comment: Variant summary: ATP7B c.3971A>T (p.Asn1324Ile) results in a non-conservative amino acid change in the encoded protein sequence. Algorithms developed to predict the effect of missense changes on protein structure and function all suggest that this variant is likely to be disruptive. The variant was absent in 249578 control chromosomes. The available data on variant occurrences in the general population are insufficient to allow any conclusion about variant significance. To our knowledge, no occurrence of c.3971A>T in individuals affected with ATP7B-related conditions and no experimental evidence demonstrating its impact on protein function have been reported. A different variant affecting the same codon has been classified as likely pathogenic/pathogenic by our lab (c.3971A>G, p.Asn1324Ser), supporting the critical relevance of codon 1324 to ATP7B protein function. No submitters have cited clinical-significance assessments for this variant to ClinVar. Based on the evidence outlined above, the variant was classified as uncertain significance.

NM_000053.4(ATP7B):c.3971A>T (p.Asn1324Ile)

Gene: ATP7B (ATPase copper transporting beta; minus strand). Cytogenetic location: 13q14.3.
Variant type: single nucleotide variant.
Coding change: c.3971A>T on transcript NM_000053.4 (MANE Select); coding-DNA position 3971, A replaced by T.
Protein change: p.Asn1324Ile; replaces asparagine 1324 with isoleucine.
Molecular consequence: missense variant.
Genome position (GRCh38, 1-based): chr13:51,937,326, T>A on the plus strand (A>T on the coding strand, the complement: ATP7B is on the minus strand). VCF-style: chr13-51937326-T-A. GRCh37 (hg19) VCF-style: chr13-52511462-T-A.
Other names: c.3875A>T, p.Asn1292Ile (NM_001406517.1, NM_001406518.1); c.3836A>T, p.Asn1279Ile (NM_001406519.1); c.3827A>T, p.Asn1276Ile (NM_001406520.1, NM_001406521.1, NM_001406522.1); c.3788A>T, p.Asn1263Ile (NM_001406523.1); c.3794A>T, p.Asn1265Ile (NM_001406524.1); c.3776A>T, p.Asn1259Ile (NM_001406525.1); c.3767A>T, p.Asn1256Ile (NM_001406526.1); c.3737A>T, p.Asn1246Ile (NM_001406527.1, NM_001406528.1, NM_001330578.2); and 21 more; short protein forms N1043I, N1097I, N1108I, N1117I, N1130I, N1160I, N1162I, N1175I.
Identifiers: ClinVar variation 4853683 (VCV004853683.1).
Genomic context (GRCh38, chr13:51,937,326, plus strand): 5'-AGCTGCCTACCTGCTGCAATGGGTATCCCAACCAGGTTATAAATCAGTGCCAGGACCAGG[T>A]TGATGCGTATCCTTCGGACAGTCCTCTTGGAAAGGTGAATGCTAGCCACCACATCCAGCA-3'
Protein context (NP_000044.2, residues 1314-1334): SKRTVRRIRI[Asn1324Ile]LVLALIYNLV